The following is an entry in ClinVar:

ClinVar aggregate classification (germline): Likely benign. Review status: criteria provided, multiple submitters, no conflicts (2 of 4 stars). 3 submissions from 3 submitters: Likely benign (3). Last evaluated 2025-12-03.

Conditions:
Wilms tumor 1 (WT1). Also called: Wilms tumor, somatic. Identifiers: Orphanet 654, MedGen CN033288, MONDO:0008679, OMIM 194070.
11p partial monosomy syndrome (WAGR). Also called: CHROMOSOME 11p13 DELETION SYNDROME; WAGR syndrome; WAGR Complex; WAGR Spectrum Disorder. Identifiers: Orphanet 893, MedGen C0206115, MONDO:0008681, OMIM 194072.
Frasier syndrome. Identifiers: Orphanet 347, MedGen C0950122, MeSH D052159, MONDO:0007635, OMIM 136680.
Drash syndrome (DDS). Also called: WILMS TUMOR AND PSEUDO- OR TRUE HERMAPHRODITISM; NEPHROPATHY, WILMS TUMOR, AND GENITAL ANOMALIES. Identifiers: Orphanet 220, MedGen C0950121, MONDO:0008682, OMIM 194080.
Inborn genetic diseases. Identifiers: MedGen C0950123, MeSH D030342.

gnomAD v4.1: 11 of 1,533,448 alleles (0.00072%); highest among the groups gnomAD compares: Non-Finnish European, 0.00096%; no homozygotes.

Submissions (3):

Ambry Genetics
Classification: Likely benign for Inborn genetic diseases. Last evaluated: 2025-12-03. Review status: criteria provided, single submitter. Criteria: Ambry Variant Classification Scheme 2023. Collection method: clinical testing. Allele origin: germline.

Labcorp Genetics (formerly Invitae), Labcorp
Classification: Likely benign for Wilms tumor 1; Drash syndrome; 11p partial monosomy syndrome; Frasier syndrome. Last evaluated: 2025-10-22. Review status: criteria provided, single submitter. Criteria: Invitae Variant Classification Sherloc (09022015). Collection method: clinical testing. Allele origin: germline.

All of Us Research Program, National Institutes of Health
Classification: Likely benign for Wilms tumor 1. Last evaluated: 2023-05-30. Review status: criteria provided, single submitter. Criteria: ACMG Guidelines, 2015. Collection method: clinical testing. Allele origin: germline. Inheritance: Autosomal dominant inheritance. Observed: 1 variant allele, 1 heterozygote.
Comment: This study involves interpretation of variants in research participants for the purpose of population health screening. Participant phenotype was not available at the time of variant classification. Additional details can be found in publication PMID: 35346344, PMCID: PMC8962531

NM_024426.6(WT1):c.66G>C (p.Thr22=)

Genes: WT1 (WT1 transcription factor; minus strand), LOC107982234 (WT1/WT1-AS bi-directional promoter region; plus strand). Cytogenetic location: 11p13.
Variant type: single nucleotide variant.
Coding change: c.66G>C on transcript NM_024426.6 (MANE Select); coding-DNA position 66, G replaced by C.
Protein change: p.Thr22=; no amino-acid change (threonine 22 retained).
Molecular consequence: synonymous variant. On other transcripts: non-coding transcript variant (2).
Genome position (GRCh38, 1-based): chr11:32,435,295, C>G on the plus strand (G>C on the coding strand, the complement: WT1 is on the minus strand). VCF-style: chr11-32435295-C-G. GRCh37 (hg19) VCF-style: chr11-32456841-C-G.
Other names: c.66G>C, p.Thr22= (NM_000378.6, NM_001407044.1, NM_001407045.1 and 6 more transcripts); c.-154G>C (NM_001429031.1, NM_001429032.1, NM_001429033.1 and 1 more transcripts); c.51G>C, p.Thr17= (NM_024425.2); c.51G>C (NM_024426.4).
Identifiers: ClinVar variation 3071422 (VCV003071422.3), dbSNP rs1214646426, ClinGen allele CA473773394.